The following is an entry in ClinVar:

NM_006031.6(PCNT):c.8146_8149dup (p.Asn2717fs)

Gene: PCNT (pericentrin; plus strand). Cytogenetic location: 21q22.3.
Variant type: Duplication.
Coding change: c.8146_8149dup on transcript NM_006031.6 (MANE Select); coding-DNA positions 8146 to 8149, 4 bases duplicated (GACA; older notation c.8146_8149dupGACA).
Protein change: p.Asn2717fs; shifts the reading frame from asparagine 2717.
Molecular consequence: frameshift variant.
Genome position (GRCh38, 1-based): chr21:46,431,610-46,431,613, GACA duplicated. VCF-style (leftmost placement, unchanged base first): chr21-46431609-G-GGACA. GRCh37 (hg19) VCF-style: chr21-47851523-G-GGACA.
Other names: c.7792_7795dup, p.Asn2599fs (NM_001315529.2); short protein forms N2599fs, N2717fs.
Identifiers: ClinVar variation 2767728 (VCV002767728.3), dbSNP rs2519010488, ClinGen allele CA2697547614.

ClinVar aggregate classification (germline): Pathogenic (1 of 4 stars; one submission).

Submission:

Labcorp Genetics (formerly Invitae), Labcorp
Classification: Pathogenic. Last evaluated: 2023-10-12. Review status: criteria provided, single submitter. Criteria: Invitae Variant Classification Sherloc (09022015). Collection method: clinical testing. Allele origin: germline.
Comment: This sequence change creates a premature translational stop signal (p.Asn2717Argfs*27) in the PCNT gene. It is expected to result in an absent or disrupted protein product. Loss-of-function variants in PCNT are known to be pathogenic (PMID: 18174396, 22821869). This variant is not present in population databases (gnomAD no frequency). This variant has not been reported in the literature in individuals affected with PCNT-related conditions. For these reasons, this variant has been classified as Pathogenic.

Literature cited by the submitters: PubMed 18174396; PubMed 22821869.